The following is an entry in ClinVar:

ClinVar aggregate classification (germline): Uncertain significance (1 of 4 stars; one submission).

Conditions:
CFTR-related disorder (CFTR-RD). Also called: CFTR-related disorders; CFTR-related condition. Identifiers: MedGen C5924204, MONDO:7770004.

Submission:

PreventionGenetics, part of Exact Sciences
Classification: Uncertain significance for CFTR-related condition. Last evaluated: 2025-01-29. Review status: criteria provided, single submitter. Criteria: ACMG Guidelines, 2015. Collection method: clinical testing. Allele origin: germline.
Comment: The CFTR c.1737_1754del18 variant is predicted to result in an in-frame deletion (p.Asp579_Lys584del). To our knowledge, this variant has not been reported in the literature or in a large population database (gnomAD), indicating this variant is rare. Although we suspect that this variant may be pathogenic, at this time, the clinical significance of this variant is uncertain due to the absence of conclusive functional and genetic evidence.

NM_000492.4(CFTR):c.1737_1754del (p.Asp579_Lys584del)

Gene: CFTR (CF transmembrane conductance regulator; plus strand). Cytogenetic location: 7q31.2.
Variant type: Deletion.
Coding change: c.1737_1754del on transcript NM_000492.4 (MANE Select); coding-DNA positions 1737 to 1754, 18 bases deleted (TGTTTTAACAGAAAAAGA).
Protein change: p.Asp579_Lys584del.
Molecular consequence: inframe deletion.
Genome position (GRCh38, 1-based): chr7:117,590,410-117,590,427, TGTTTTAACAGAAAAAGA deleted; deleting any 18 consecutive bases within chr7:117,590,407-117,590,427 gives the same sequence; the c. name uses the placement nearest the transcript's 3' end. VCF-style (leftmost placement, unchanged base first): chr7-117590406-TAGATGTTTTAACAGAAAA-T. GRCh37 (hg19) VCF-style: chr7-117230460-TAGATGTTTTAACAGAAAA-T.
Identifiers: ClinVar variation 5000532 (VCV005000532.1).